The following is an entry in ClinVar:

NM_004006.3(DMD):c.9957T>A (p.Cys3319Ter)

Gene: DMD (dystrophin; minus strand). Cytogenetic location: Xp21.2.
Variant type: single nucleotide variant.
Coding change: c.9957T>A on transcript NM_004006.3 (MANE Select); coding-DNA position 9957, T replaced by A.
Protein change: p.Cys3319Ter; replaces cysteine 3319 with a stop codon.
Molecular consequence: nonsense.
Genome position (GRCh38, 1-based): chrX:31,182,755, A>T on the plus strand (T>A on the coding strand, the complement: DMD is on the minus strand). VCF-style: chrX-31182755-A-T. GRCh37 (hg19) VCF-style: chrX-31200872-A-T.
Other names: c.9933T>A, p.Cys3311Ter (NM_000109.4); c.9945T>A, p.Cys3315Ter (NM_004009.3); c.9588T>A, p.Cys3196Ter (NM_004010.3); c.5934T>A, p.Cys1978Ter (NM_004011.4); c.5925T>A, p.Cys1975Ter (NM_004012.4); c.2577T>A, p.Cys859Ter (NM_004013.3, NM_004020.4, NM_004021.3 and 2 more transcripts); c.1770T>A, p.Cys590Ter (NM_004014.3); c.753T>A, p.Cys251Ter (NM_004015.3, NM_004016.3, NM_004017.3 and 2 more transcripts); short protein forms C1975*, C1978*, C251*, C3196*, C3311*, C3315*, C3319*, C590*.
Identifiers: ClinVar variation 1726630 (VCV001726630.3), dbSNP rs2520021065, ClinGen allele CA412653299.

ClinVar aggregate classification (germline): Likely pathogenic (1 of 4 stars; one submission).

Conditions:
Progressive muscular dystrophy. Identifiers: Orphanet 206644, MedGen C4551827, MONDO:0016106.

Submission:

Myriad Genetics, Inc.
Classification: Likely pathogenic for Progressive muscular dystrophy. Last evaluated: 2021-12-29. Review status: criteria provided, single submitter. Criteria: Myriad Autosomal Dominant, Autosomal Recessive and X-Linked Classification Criteria (2023). Collection method: clinical testing. Allele origin: unknown.
Comment: NM_004006.2(DMD):c.9957T>A(C3319*) is expected to be pathogenic in the context of dystrophinopathy (including Duchenne/Becker muscular dystrophy). This variant is predicted to lead to an abnormal or absent protein product due to the creation of a premature termination codon in DMD, a gene where loss-of-function variants are known to be pathogenic. Please note: this variant was assessed in the context of healthy population screening.